The following is an entry in ClinVar:

ClinVar aggregate classification (germline): Benign. Review status: criteria provided, multiple submitters, no conflicts (2 of 4 stars). 4 submissions from 4 submitters: Benign (2). 2 of the submissions do not count toward it. Last evaluated 2020-12-04.

Conditions:
NRXN2-related disorder. Also called: NRXN2-related condition.

Allele frequency attached by ClinVar (database versions not stated): ESP Exome Variant Server 0.10334; ExAC 0.13659; gnomAD exomes 0.14519 and 0.13600; gnomAD 0.11527 and 0.11290; TOPMed 0.10150; 1000 Genomes Project 30x 0.10775; 1000 Genomes Project 0.11162.
gnomAD v4.1: 229,237 of 1,614,120 alleles (14%); highest among the groups gnomAD compares: East Asian, 21%; 17,627 homozygotes.

Submissions (16):

GeneDx
Classification: Benign. Last evaluated: 2020-12-04. Review status: criteria provided, single submitter. Criteria: GeneDx Variant Classification Process June 2021. Collection method: clinical testing. Allele origin: germline. Affected: yes.

Breakthrough Genomics
Classification: Benign. Review status: criteria provided, single submitter. Criteria: ACMG Guidelines, 2015. Collection method: not provided. Allele origin: germline. Inheritance: Unknown mechanism. Affected: yes.

PreventionGenetics, part of Exact Sciences
Classification: Benign for NRXN2-related condition. Last evaluated: 2019-11-04. Review status: no assertion criteria provided. Collection method: clinical testing. Allele origin: germline. Not counted in ClinVar's aggregate classification.
Comment: This variant is classified as benign based on ACMG/AMP sequence variant interpretation guidelines (Richards et al. 2015 PMID: 25741868, with internal and published modifications).

Dr. Peter K. Rogan Lab, Western University
No classification provided (evidence only). Condition: Colorectal cancer. Review status: no classification provided. Collection method: in vitro. Allele origin: not applicable. Functional consequence: retained intron. Not counted in ClinVar's aggregate classification.

Dr. Peter K. Rogan Lab, Western University
No classification provided (evidence only). Condition: Cholangiocarcinoma. Review status: no classification provided. Collection method: in vitro. Allele origin: not applicable. Functional consequence: retained intron. Not counted in ClinVar's aggregate classification.

Dr. Peter K. Rogan Lab, Western University
No classification provided (evidence only). Condition: Cholangiocarcinoma. Review status: no classification provided. Collection method: in vitro. Allele origin: not applicable. Functional consequence: retained intron. Not counted in ClinVar's aggregate classification.

Dr. Peter K. Rogan Lab, Western University
No classification provided (evidence only). Condition: Cholangiocarcinoma. Review status: no classification provided. Collection method: in vitro. Allele origin: not applicable. Functional consequence: retained intron. Not counted in ClinVar's aggregate classification.

Dr. Peter K. Rogan Lab, Western University
No classification provided (evidence only). Condition: Cholangiocarcinoma. Review status: no classification provided. Collection method: in vitro. Allele origin: not applicable. Functional consequence: retained intron. Not counted in ClinVar's aggregate classification.

Dr. Peter K. Rogan Lab, Western University
No classification provided (evidence only). Condition: Cholangiocarcinoma. Review status: no classification provided. Collection method: in vitro. Allele origin: not applicable. Functional consequence: retained intron. Not counted in ClinVar's aggregate classification.

Dr. Peter K. Rogan Lab, Western University
No classification provided (evidence only). Condition: Uterine carcinosarcoma. Review status: no classification provided. Collection method: in vitro. Allele origin: not applicable. Functional consequence: retained intron. Not counted in ClinVar's aggregate classification.

Dr. Peter K. Rogan Lab, Western University
No classification provided (evidence only). Condition: Uterine carcinosarcoma. Review status: no classification provided. Collection method: in vitro. Allele origin: not applicable. Functional consequence: retained intron. Not counted in ClinVar's aggregate classification.

Dr. Peter K. Rogan Lab, Western University
No classification provided (evidence only). Condition: Uveal melanoma. Review status: no classification provided. Collection method: in vitro. Allele origin: not applicable. Functional consequence: retained intron. Not counted in ClinVar's aggregate classification.

Dr. Peter K. Rogan Lab, Western University
No classification provided (evidence only). Condition: Uveal melanoma. Review status: no classification provided. Collection method: in vitro. Allele origin: not applicable. Functional consequence: retained intron. Not counted in ClinVar's aggregate classification.

Dr. Peter K. Rogan Lab, Western University
No classification provided (evidence only). Condition: Uveal melanoma. Review status: no classification provided. Collection method: in vitro. Allele origin: not applicable. Functional consequence: retained intron. Not counted in ClinVar's aggregate classification.

Dr. Peter K. Rogan Lab, Western University
No classification provided (evidence only). Condition: Uveal melanoma. Review status: no classification provided. Collection method: in vitro. Allele origin: not applicable. Functional consequence: retained intron. Not counted in ClinVar's aggregate classification.

Genetic Services Laboratory, University of Chicago
Classification: Likely benign for AllHighlyPenetrant. Review status: no assertion criteria provided. Collection method: clinical testing. Allele origin: germline. Inheritance: Autosomal dominant inheritance. Not counted in ClinVar's aggregate classification.
Comment: Likely benign based on allele frequency in 1000 Genomes Project or ESP global frequency and its presence in a patient with a rare or unrelated disease phenotype. NOT Sanger confirmed.

NM_015080.4(NRXN2):c.3327C>T (p.Gly1109=)

Gene: NRXN2 (neurexin 2; minus strand). Cytogenetic location: 11q13.1.
Variant type: single nucleotide variant.
Coding change: c.3327C>T on transcript NM_015080.4 (MANE Select); coding-DNA position 3327, C replaced by T.
Protein change: p.Gly1109=; no amino-acid change (glycine 1109 retained).
Molecular consequence: synonymous variant.
Genome position (GRCh38, 1-based): chr11:64,648,295, G>A on the plus strand (C>T on the coding strand, the complement: NRXN2 is on the minus strand). VCF-style: chr11-64648295-G-A. GRCh37 (hg19) VCF-style: chr11-64415767-G-A.
Other names: NC_000011.9:g.64415767G>A; c.3327C>T (NM_015080.3); c.3327C>T, p.Gly1109= (NM_001376262.1); c.3306C>T, p.Gly1102= (NM_001376263.1, NM_001376267.1); c.3282C>T, p.Gly1094= (NM_001376265.1); c.3303C>T, p.Gly1101= (NM_001376266.1); c.3207C>T, p.Gly1069= (NM_138732.3).
Identifiers: ClinVar variation 129835 (VCV000129835.12), dbSNP rs3825074, ClinGen allele CA154160.